The following is an entry in ClinVar:

NM_001077418.3(TMEM231):c.139+1del

Gene: TMEM231 (transmembrane protein 231; minus strand). Cytogenetic location: 16q23.1.
Variant type: Deletion.
Coding change: c.139+1del on transcript NM_001077418.3 (MANE Select); the canonical splice donor site of the intron after coding-DNA position 139, one base deleted (G; older notation c.139+1delG).
Molecular consequence: splice donor variant. On other transcripts: nonsense (1).
Genome position (GRCh38, 1-based): chr16:75,556,070, C deleted on the plus strand (G on the coding strand, the reverse complement: TMEM231 is on the minus strand); the first of 2 consecutive C bases (chr16:75,556,070-75,556,071); deleting either gives the same sequence. VCF-style (leftmost placement, unchanged base first): chr16-75556069-AC-A. GRCh37 (hg19) VCF-style: chr16-75589967-AC-A.
Other names: c.202del, p.Thr67_Val68insTer (NM_001077416.2).
Identifiers: ClinVar variation 1368287 (VCV001368287.6), dbSNP rs2151711054, ClinGen allele CA2573152644.

ClinVar aggregate classification (germline): Pathogenic (1 of 4 stars; one submission).

Conditions:
Joubert syndrome 20 (JBTS20). Identifiers: Orphanet 475, MedGen C3554235, MONDO:0013994, OMIM 614970.
Meckel syndrome, type 11 (MKS11). Identifiers: Orphanet 564, MedGen C3809352, MONDO:0014164, OMIM 615397.

Submission:

Labcorp Genetics (formerly Invitae), Labcorp
Classification: Pathogenic for Joubert syndrome 20; Meckel syndrome, type 11. Last evaluated: 2022-10-12. Review status: criteria provided, single submitter. Criteria: Invitae Variant Classification Sherloc (09022015). Collection method: clinical testing. Allele origin: germline.
Comment: For these reasons, this variant has been classified as Pathogenic. Algorithms developed to predict the effect of sequence changes on RNA splicing suggest that this variant may disrupt the consensus splice site. ClinVar contains an entry for this variant (Variation ID: 1368287). This variant has not been reported in the literature in individuals affected with TMEM231-related conditions. This variant is not present in population databases (gnomAD no frequency). This sequence change creates a premature translational stop signal (p.Val68*) in the TMEM231 gene. It is expected to result in an absent or disrupted protein product. Loss-of-function variants in TMEM231 are known to be pathogenic (PMID: 23012439, 23349226).

Literature cited by the submitters: PubMed 23012439; PubMed 23349226.